The following is an entry in ClinVar:

ClinVar aggregate classification (germline): Likely benign (1 of 4 stars; one submission).

gnomAD v4.1: 960 of 1,612,476 alleles (0.06%); highest among the groups gnomAD compares: South Asian, 0.91%; 17 homozygotes.

Submission:

CeGaT Center for Human Genetics Tuebingen
Classification: Likely benign. Last evaluated: 2026-08-01. Review status: criteria provided, single submitter. Criteria: CeGaT Center For Human Genetics Tuebingen Variant Classification Criteria Version 2. Collection method: clinical testing. Allele origin: germline. Affected: yes. Observed: 4 variant alleles.
Comment: PRKACB: BP4, BS2

NM_182948.4(PRKACB):c.110C>T (p.Thr37Ile)

Gene: PRKACB (protein kinase cAMP-activated catalytic subunit beta; plus strand). Cytogenetic location: 1p31.1.
Variant type: single nucleotide variant.
Coding change: c.110C>T on transcript NM_182948.4 (MANE Select); coding-DNA position 110, C replaced by T.
Protein change: p.Thr37Ile; replaces threonine 37 with isoleucine.
Molecular consequence: missense variant. On other transcripts: intron variant (3).
Genome position (GRCh38, 1-based): chr1:84,144,471, C>T. VCF-style: chr1-84144471-C-T. GRCh37 (hg19) VCF-style: chr1-84610154-C-T.
Other names: c.110C>T, p.Thr37Ile (NM_001300916.2); c.47-34706C>T (NM_002731.4, NM_001375576.1, NM_207578.3); short protein forms T37I.
Identifiers: ClinVar variation 4533806 (VCV004533806.6).
Genomic context (GRCh38, chr1:84,144,471, plus strand): 5'-CAGCTCTTCAGAAATTGGAAGGTTTTGCTAGCCGGTTATTTCATAGACACTCTAAAGGTA[C>T]TGCACATGATCAGAAAACAGCTCTGGAAAATGACAGCCTTCATTTCTCTGAACATACTGC-3'
Protein context (NP_891993.1, residues 27-47): SRLFHRHSKG[Thr37Ile]AHDQKTALEN